The following is an entry in ClinVar:

NM_000180.4(GUCY2D):c.3225-2A>T

Gene: GUCY2D (guanylate cyclase 2D, retinal; plus strand). Cytogenetic location: 17p13.1.
Variant type: single nucleotide variant.
Coding change: c.3225-2A>T on transcript NM_000180.4 (MANE Select); the canonical splice acceptor site of the intron before coding-DNA position 3225, A replaced by T.
Molecular consequence: splice acceptor variant.
Genome position (GRCh38, 1-based): chr17:8,016,441, A>T. VCF-style: chr17-8016441-A-T. GRCh37 (hg19) VCF-style: chr17-7919759-A-T.
Identifiers: ClinVar variation 2946742 (VCV002946742.3), dbSNP rs1361005749, ClinGen allele CA397956228.
Genomic context (GRCh38, chr17:8,016,441, plus strand): 5'-CGTGGGCCCTGCCCTCCCACGCCCCATTCCCCTTCCCTGAGGCCACCGCCCCCTCCTTGC[A>T]GGTCCAGCAACCACGGCATCAGCCTGCAGGAGATCCCACCCGAGCGGCGACGGAAGCTGG-3'

ClinVar aggregate classification (germline): Uncertain significance (1 of 4 stars; one submission).

Conditions:
Leber congenital amaurosis 1 (LCA1). Also called: Congenital absence of the rods and cones; Leber's congenital tapetoretinal degeneration; Leber's congenital tapetoretinal dysplasia; AMAUROSIS CONGENITA OF LEBER I; RETINAL BLINDNESS, CONGENITAL. Identifiers: Orphanet 65, MedGen C2931258, MONDO:0008764, OMIM 204000.
Cone-rod dystrophy 6 (CORD6). Also called: Cone dystrophy progressive; RETINAL CONE DYSTROPHY 2. Identifiers: Orphanet 1872, MedGen C1866293, MONDO:0011143, OMIM 601777.

Allele frequency attached by ClinVar (database versions not stated): gnomAD 0.00001.
gnomAD v4.1: 11 of 1,560,184 alleles (0.00071%); highest among the groups gnomAD compares: Non-Finnish European, 0.00095%; no homozygotes.

Submission:

Labcorp Genetics (formerly Invitae), Labcorp
Classification: Uncertain significance for Leber congenital amaurosis 1; Cone-rod dystrophy 6. Last evaluated: 2024-12-16. Review status: criteria provided, single submitter. Criteria: Invitae Variant Classification Sherloc (09022015). Collection method: clinical testing. Allele origin: germline.
Comment: This sequence change affects an acceptor splice site in intron 18 of the GUCY2D gene. While this variant is not anticipated to result in nonsense mediated decay, it likely alters RNA splicing and results in a disrupted protein product. This variant is present in population databases (no rsID available, gnomAD 0.007%). This variant has not been reported in the literature in individuals affected with GUCY2D-related conditions. ClinVar contains an entry for this variant (Variation ID: 2946742). Variants that disrupt the consensus splice site are a relatively common cause of aberrant splicing (PMID: 17576681, 9536098). Algorithms developed to predict the effect of sequence changes on RNA splicing suggest that this variant may disrupt the consensus splice site. In summary, the available evidence is currently insufficient to determine the role of this variant in disease. Therefore, it has been classified as a Variant of Uncertain Significance.

Literature cited by the submitters: PubMed 17576681; PubMed 9536098.